The following is an entry in ClinVar:

ClinVar aggregate classification (germline): Conflicting classifications of pathogenicity. Review status: criteria provided, conflicting classifications (1 of 4 stars). 3 submissions from 3 submitters: Likely pathogenic (2); Uncertain significance (1). Last evaluated 2024-01-08.

Conditions:
Autosomal recessive limb-girdle muscular dystrophy type 2O. Also called: Limb-Girdle Muscular Dystrophy Type 3C; MUSCULAR DYSTROPHY-DYSTROGLYCANOPATHY (LIMB-GIRDLE), TYPE C, 3; MUSCULAR DYSTROPHY-DYSTROGLYCANOPATHY, LIMB-GIRDLE, POMGNT1-RELATED. Identifiers: Orphanet 206564, MedGen C3150417, MONDO:0013161, OMIM 613157.
Muscular dystrophy-dystroglycanopathy (congenital with impaired intellectual development), type B, 3. Also called: Muscular dystrophy-dystroglycanopathy (congenital with intellectual disability), type B3; MUSCULAR DYSTROPHY, CONGENITAL, POMGNT1-RELATED. Identifiers: MedGen C3150412, MONDO:0013155, OMIM 613151.
Muscular dystrophy-dystroglycanopathy. Also called: Congenital muscular dystrophy due to dystroglycanopathy. Identifiers: Orphanet 370953, MedGen C5679911, MONDO:0018276.
Muscular dystrophy-dystroglycanopathy (congenital with brain and eye anomalies), type A3. Also called: Congenital muscular dystrophy-dystroglycanopathy with brain and eye anomalies, type A3; Muscular dystrophy-dystroglycanopathy (congenital with brain and eye anomalies), type A, 3; WALKER-WARBURG SYNDROME OR MUSCLE-EYE-BRAIN DISEASE, POMGNT1-RELATED. Identifiers: MedGen C3151519, MONDO:0009667, OMIM 253280.

Allele frequency attached by ClinVar (database versions not stated): gnomAD exomes below 0.00001.

Submissions (3):

Labcorp Genetics (formerly Invitae), Labcorp
Classification: Likely pathogenic for Autosomal recessive limb-girdle muscular dystrophy type 2O; Muscular dystrophy-dystroglycanopathy (congenital with impaired intellectual development), type B, 3. Last evaluated: 2024-01-08. Review status: criteria provided, single submitter. Criteria: Invitae Variant Classification Sherloc (09022015). Collection method: clinical testing. Allele origin: germline.
Comment: This sequence change affects a donor splice site in intron 13 of the POMGNT1 gene. It is expected to disrupt RNA splicing. Variants that disrupt the donor or acceptor splice site typically lead to a loss of protein function (PMID: 16199547), and loss-of-function variants in POMGNT1 are known to be pathogenic (PMID: 19299310, 20816175, 21447391, 26908613, 27391550). This variant is present in population databases (no rsID available, gnomAD 0.004%). This variant has not been reported in the literature in individuals affected with POMGNT1-related conditions. ClinVar contains an entry for this variant (Variation ID: 1512572). Algorithms developed to predict the effect of sequence changes on RNA splicing suggest that this variant may disrupt the consensus splice site. In summary, the currently available evidence indicates that the variant is pathogenic, but additional data are needed to prove that conclusively. Therefore, this variant has been classified as Likely Pathogenic.

Broad Center for Mendelian Genomics, Broad Institute of MIT and Harvard
Classification: Uncertain significance for Muscular dystrophy-dystroglycanopathy. Last evaluated: 2023-01-24. Review status: criteria provided, single submitter. Criteria: ACMG Guidelines, 2015. Collection method: curation. Allele origin: germline. Inheritance: Autosomal recessive inheritance.
Comment: The c.1152+1G>A variant in POMGNT1 has not been previously reported in the literature in individuals with POMGNT1-associated muscular dystrophy-dystroglycanopathy, but has been identified in 0.005% (1/21618) of European (Finnish) chromosomes by the Genome Aggregation Database (gnomAD; dbSNP ID: rs1474858292). Although this variant has been seen in the general population in a heterozygous state, its frequency is low enough to be consistent with a recessive carrier frequency. This variant has also been reported in ClinVar (Variation ID#1512572) and has been interpreted as pathogenic by Invitae. This variant is located in the 5' splice region. Computational tools predict a splicing impact, though this information is not predictive enough to determine pathogenicity. This variant is adjacent to an in-frame exon and is more likely to escape nonsense mediated decay (NMD) and result in a truncated protein. In summary, the clinical significance of the c.1152+1G>A variant is uncertain. ACMG/AMP Criteria applied: PVS1_Moderate, PM2_Supporting (Richards 2015).

Baylor Genetics
Classification: Likely pathogenic for Muscular dystrophy-dystroglycanopathy (congenital with brain and eye anomalies), type A3. Last evaluated: 2022-12-21. Review status: criteria provided, single submitter. Criteria: ACMG Guidelines, 2015. Collection method: clinical testing. Allele origin: unknown.

Literature cited by the submitters: PubMed 16199547 (cited by Labcorp Genetics (formerly Invitae), Labcorp); PubMed 19299310 (cited by Labcorp Genetics (formerly Invitae), Labcorp); PubMed 20816175 (cited by Labcorp Genetics (formerly Invitae), Labcorp); PubMed 21447391 (cited by Labcorp Genetics (formerly Invitae), Labcorp); PubMed 26908613 (cited by Labcorp Genetics (formerly Invitae), Labcorp); PubMed 27391550 (cited by Labcorp Genetics (formerly Invitae), Labcorp).

NM_017739.4(POMGNT1):c.1152+1G>A

Genes: POMGNT1 (protein O-linked mannose N-acetylglucosaminyltransferase 1 (beta 1,2-); minus strand), TSPAN1 (tetraspanin 1; plus strand). Cytogenetic location: 1p34.1.
Variant type: single nucleotide variant.
Coding change: c.1152+1G>A on transcript NM_017739.4 (MANE Select); the canonical splice donor site of the intron after coding-DNA position 1152, G replaced by A.
Molecular consequence: splice donor variant.
Genome position (GRCh38, 1-based): chr1:46,193,173, C>T on the plus strand (G>A on the coding strand, the complement: POMGNT1 is on the minus strand). VCF-style: chr1-46193173-C-T. GRCh37 (hg19) VCF-style: chr1-46658845-C-T.
Other names: c.1086+1G>A (NM_001438691.1, NM_001438692.1, NM_001290129.3); c.1152+1G>A (NM_001438688.1, NM_001437653.1, NM_001410783.1 and 3 more transcripts); c.723+1G>A (NM_001290130.2).
Identifiers: ClinVar variation 1512572 (VCV001512572.9), dbSNP rs1474858292, ClinGen allele CA340179329.